The following is an entry in ClinVar:

ClinVar aggregate classification (germline): Likely benign. Review status: criteria provided, multiple submitters, no conflicts (2 of 4 stars). 2 submissions from 2 submitters: Likely benign (2). Last evaluated 2025-12-23.

Conditions:
COL6A3-related disorder. Also called: COL6A3-related disorders; COL6A3-related condition.
Bethlem myopathy 1A. Also called: Bethlem Muscular Dystrophy; Bethlem myopathy 1; MYOPATHY, BENIGN CONGENITAL, WITH CONTRACTURES. Identifiers: Orphanet 610, MedGen CN029274, MONDO:0024530, OMIM 158810.

gnomAD v4.1: 42 of 1,613,362 alleles (0.0026%); highest among the groups gnomAD compares: Non-Finnish European, 0.0033%; no homozygotes.

Submissions (2):

PreventionGenetics, part of Exact Sciences
Classification: Likely benign for COL6A3-related condition. Last evaluated: 2025-12-23. Review status: criteria provided, single submitter. Criteria: ACMG Guidelines, 2015. Collection method: clinical testing. Allele origin: germline.
Comment: This variant is classified as likely benign based on ACMG/AMP sequence variant interpretation guidelines (Richards et al. 2015 PMID: 25741868, with internal and published modifications).

Labcorp Genetics (formerly Invitae), Labcorp
Classification: Likely benign for Bethlem myopathy 1A. Last evaluated: 2021-12-24. Review status: criteria provided, single submitter. Criteria: Invitae Variant Classification Sherloc (09022015). Collection method: clinical testing. Allele origin: germline.

NM_004369.4(COL6A3):c.8892G>C (p.Ala2964=)

Gene: COL6A3 (collagen type VI alpha 3 chain; minus strand). Cytogenetic location: 2q37.3.
Variant type: single nucleotide variant.
Coding change: c.8892G>C on transcript NM_004369.4 (MANE Select); coding-DNA position 8892, G replaced by C.
Protein change: p.Ala2964=; no amino-acid change (alanine 2964 retained).
Molecular consequence: synonymous variant.
Genome position (GRCh38, 1-based): chr2:237,336,208, C>G on the plus strand (G>C on the coding strand, the complement: COL6A3 is on the minus strand). VCF-style: chr2-237336208-C-G. GRCh37 (hg19) VCF-style: chr2-238244851-C-G.
Other names: c.7071G>C, p.Ala2357= (NM_057166.5); c.8274G>C, p.Ala2758= (NM_057167.4); c.8892G>C (NM_004369.3).
Identifiers: ClinVar variation 1151593 (VCV001151593.10), dbSNP rs147324162, ClinGen allele CA2187418.
Genomic context (GRCh38, chr2:237,336,208, plus strand): 5'-GGTGGCTGGCTTGGTGGCAGCTGGTTTGGCTGCCTGTGGCCTAGGGACCTCAGGCTTGGT[C>G]GCCACTGGTTTTGCAGCAGCAGCAGCGGGGGGTCTTACAGCTGCTGGCTTTGCTGCTACA-3'
Protein context (NP_004360.2, residues 2954-2974): PPAAAAAKPV[Ala2964=]TKPEVPRPQA